The following is an entry in ClinVar:

ClinVar aggregate classification (germline): Uncertain significance (1 of 4 stars; one submission).

Conditions:
Hypertrophic cardiomyopathy. Also called: HYPERTROPHIC MYOCARDIOPATHY. Identifiers: Orphanet 217569, MedGen C0007194, MeSH D002312, MONDO:0005045, HP:0001639.

Submission:

Labcorp Genetics (formerly Invitae), Labcorp
Classification: Uncertain significance for Hypertrophic cardiomyopathy. Last evaluated: 2024-11-18. Review status: criteria provided, single submitter. Criteria: Invitae Variant Classification Sherloc (09022015). Collection method: clinical testing. Allele origin: germline.
Comment: This sequence change replaces glutamic acid, which is acidic and polar, with valine, which is neutral and non-polar, at codon 344 of the MYH7 protein (p.Glu344Val). This variant is not present in population databases (gnomAD no frequency). This missense change has been observed in individual(s) with dilated cardiomyopathy (PMID: 32746448). Invitae Evidence Modeling of protein sequence and biophysical properties (such as structural, functional, and spatial information, amino acid conservation, physicochemical variation, residue mobility, and thermodynamic stability) indicates that this missense variant is expected to disrupt MYH7 protein function with a positive predictive value of 95%. In summary, the available evidence is currently insufficient to determine the role of this variant in disease. Therefore, it has been classified as a Variant of Uncertain Significance.

Literature cited by the submitters: PubMed 32746448.

NM_000257.4(MYH7):c.1031A>T (p.Glu344Val)

Gene: MYH7 (myosin heavy chain 7; minus strand). Cytogenetic location: 14q11.2.
Variant type: single nucleotide variant.
Coding change: c.1031A>T on transcript NM_000257.4 (MANE Select); coding-DNA position 1031, A replaced by T.
Protein change: p.Glu344Val; replaces glutamic acid 344 with valine.
Molecular consequence: missense variant.
Genome position (GRCh38, 1-based): chr14:23,429,882, T>A on the plus strand (A>T on the coding strand, the complement: MYH7 is on the minus strand). VCF-style: chr14-23429882-T-A. GRCh37 (hg19) VCF-style: chr14-23899091-T-A.
Other names: c.1031A>T, p.Glu344Val (NM_001407004.1); short protein forms E344V.
Identifiers: ClinVar variation 3677118 (VCV003677118.2).